The following is an entry in ClinVar:

ClinVar aggregate classification (germline): Uncertain significance. Review status: criteria provided, multiple submitters, no conflicts (2 of 4 stars). 2 submissions from 2 submitters: Uncertain significance (2). Last evaluated 2024-10-22.

Allele frequency attached by ClinVar (database versions not stated): ExAC 0.00001; gnomAD exomes 0.00001; TOPMed 0.00004; gnomAD 0.00006; ESP Exome Variant Server 0.00008.
gnomAD v4.1: 18 of 1,613,974 alleles (0.0011%); highest among the groups gnomAD compares: African/African-American, 0.024%; no homozygotes.

Submissions (2):

Labcorp Genetics (formerly Invitae), Labcorp
Classification: Uncertain significance. Last evaluated: 2024-10-22. Review status: criteria provided, single submitter. Criteria: Invitae Variant Classification Sherloc (09022015). Collection method: clinical testing. Allele origin: germline.
Comment: This sequence change replaces glycine, which is neutral and non-polar, with tryptophan, which is neutral and slightly polar, at codon 425 of the GRM6 protein (p.Gly425Trp). This variant is present in population databases (rs376390640, gnomAD 0.02%). This variant has not been reported in the literature in individuals affected with GRM6-related conditions. ClinVar contains an entry for this variant (Variation ID: 1051458). Invitae Evidence Modeling of protein sequence and biophysical properties (such as structural, functional, and spatial information, amino acid conservation, physicochemical variation, residue mobility, and thermodynamic stability) has been performed for this missense variant. However, the output from this modeling did not meet the statistical confidence thresholds required to predict the impact of this variant on GRM6 protein function. In summary, the available evidence is currently insufficient to determine the role of this variant in disease. Therefore, it has been classified as a Variant of Uncertain Significance.

Blueprint Genetics
Classification: Uncertain significance. Last evaluated: 2020-09-21. Review status: criteria provided, single submitter. Criteria: ACMG Guidelines, 2015. Collection method: clinical testing. Allele origin: germline.

NM_000843.4(GRM6):c.1273G>T (p.Gly425Trp)

Genes: GRM6 (glutamate metabotropic receptor 6; minus strand), ZNF454 (zinc finger protein 454; plus strand). Cytogenetic location: 5q35.3.
Variant type: single nucleotide variant.
Coding change: c.1273G>T on transcript NM_000843.4 (MANE Select); coding-DNA position 1273, G replaced by T.
Protein change: p.Gly425Trp; replaces glycine 425 with tryptophan.
Molecular consequence: missense variant.
Genome position (GRCh38, 1-based): chr5:178,989,016, C>A on the plus strand (G>T on the coding strand, the complement: GRM6 is on the minus strand). VCF-style: chr5-178989016-C-A. GRCh37 (hg19) VCF-style: chr5-178416017-C-A.
Other names: short protein forms G425W.
Identifiers: ClinVar variation 1051458 (VCV001051458.8), dbSNP rs376390640, ClinGen allele CA3594139.